The following is an entry in ClinVar:

NM_022765.4(MICAL1):c.2581G>A (p.Ala861Thr)

Gene: MICAL1 (microtubule associated monooxygenase, calponin and LIM domain containing 1; minus strand). Cytogenetic location: 6q21.
Variant type: single nucleotide variant.
Coding change: c.2581G>A on transcript NM_022765.4 (MANE Select); coding-DNA position 2581, G replaced by A.
Protein change: p.Ala861Thr; replaces alanine 861 with threonine.
Molecular consequence: missense variant.
Genome position (GRCh38, 1-based): chr6:109,446,136, C>T on the plus strand (G>A on the coding strand, the complement: MICAL1 is on the minus strand). VCF-style: chr6-109446136-C-T. GRCh37 (hg19) VCF-style: chr6-109767339-C-T.
Other names: c.2323G>A, p.Ala775Thr (NM_001159291.2); c.2638G>A, p.Ala880Thr (NM_001286613.2); short protein forms A880T, A775T, A861T.
Identifiers: ClinVar variation 2960398 (VCV002960398.3), dbSNP rs2482773995, ClinGen allele CA365222996.

ClinVar aggregate classification (germline): Uncertain significance (1 of 4 stars; one submission).

Submission:

Labcorp Genetics (formerly Invitae), Labcorp
Classification: Uncertain significance. Last evaluated: 2024-04-10. Review status: criteria provided, single submitter. Criteria: Invitae Variant Classification Sherloc (09022015). Collection method: clinical testing. Allele origin: germline.
Comment: This sequence change replaces alanine, which is neutral and non-polar, with threonine, which is neutral and polar, at codon 880 of the MICAL1 protein (p.Ala880Thr). This variant also falls at the last nucleotide of exon 19, which is part of the consensus splice site for this exon. This variant is not present in population databases (gnomAD no frequency). This variant has not been reported in the literature in individuals affected with MICAL1-related conditions. An algorithm developed to predict the effect of missense changes on protein structure and function (PolyPhen-2) suggests that this variant is likely to be tolerated. Variants that disrupt the consensus splice site are a relatively common cause of aberrant splicing (PMID: 17576681, 9536098). Algorithms developed to predict the effect of sequence changes on RNA splicing suggest that this variant may disrupt the consensus splice site. In summary, the available evidence is currently insufficient to determine the role of this variant in disease. Therefore, it has been classified as a Variant of Uncertain Significance.

Literature cited by the submitters: PubMed 17576681; PubMed 9536098.